The following is an entry in ClinVar:

NM_020041.3(SLC2A9):c.1459A>G (p.Ile487Val)

Gene: SLC2A9 (solute carrier family 2 member 9; minus strand). Cytogenetic location: 4p16.1.
Variant type: single nucleotide variant.
Coding change: c.1459A>G on transcript NM_020041.3 (MANE Select); coding-DNA position 1459, A replaced by G.
Protein change: p.Ile487Val; replaces isoleucine 487 with valine.
Molecular consequence: missense variant.
Genome position (GRCh38, 1-based): chr4:9,826,561, T>C on the plus strand (A>G on the coding strand, the complement: SLC2A9 is on the minus strand). VCF-style: chr4-9826561-T-C. GRCh37 (hg19) VCF-style: chr4-9828185-T-C.
Other names: c.1372A>G, p.Ile458Val (NM_001001290.2); short protein forms I458V, I487V.
Identifiers: ClinVar variation 1350061 (VCV001350061.8), dbSNP rs752093635, ClinGen allele CA2856838.

ClinVar aggregate classification (germline): Uncertain significance (1 of 4 stars; one submission).

Allele frequency attached by ClinVar (database versions not stated): gnomAD exomes below 0.00001.
gnomAD v4.1: 8 of 1,614,042 alleles (0.0005%); highest among the groups gnomAD compares: East Asian, 0.0045%; no homozygotes.

Submission:

Labcorp Genetics (formerly Invitae), Labcorp
Classification: Uncertain significance. Last evaluated: 2021-02-13. Review status: criteria provided, single submitter. Criteria: Invitae Variant Classification Sherloc (09022015). Collection method: clinical testing. Allele origin: germline.
Comment: In summary, the available evidence is currently insufficient to determine the role of this variant in disease. Therefore, it has been classified as a Variant of Uncertain Significance. Algorithms developed to predict the effect of sequence changes on RNA splicing suggest that this variant may create or strengthen a splice site, but this prediction has not been confirmed by published transcriptional studies. Algorithms developed to predict the effect of missense changes on protein structure and function output the following: SIFT: "Tolerated"; PolyPhen-2: "Benign"; Align-GVGD: "Class C0". The valine amino acid residue is found in multiple mammalian species, suggesting that this missense change does not adversely affect protein function. These predictions have not been confirmed by published functional studies and their clinical significance is uncertain. This variant has not been reported in the literature in individuals with SLC2A9-related conditions. This variant is present in population databases (rs752093635, ExAC 0.02%). This sequence change replaces isoleucine with valine at codon 487 of the SLC2A9 protein (p.Ile487Val). The isoleucine residue is moderately conserved and there is a small physicochemical difference between isoleucine and valine.